The following is an entry in ClinVar:

ClinVar aggregate classification (germline): Pathogenic/Likely pathogenic. Review status: criteria provided, multiple submitters, no conflicts (2 of 4 stars). 3 submissions from 3 submitters: Pathogenic (1); Likely pathogenic (2). Last evaluated 2024-09-17.

Conditions:
Refsum disease, classic. Also called: PHYH-Related Refsum Disease; PHYTANIC ACID OXIDASE DEFICIENCY; HEREDOPATHIA ATACTICA POLYNEURITIFORMIS; HMSN IV. Identifiers: Orphanet 773, MedGen C5780941, MONDO:1060256, OMIM 266500. Disease mechanism: loss of function.
PHYH-related disorder. Also called: PHYH-related condition.

Allele frequency attached by ClinVar (database versions not stated): gnomAD exomes below 0.00001 and 0.00001.
gnomAD v4.1: 8 of 1,614,150 alleles (0.0005%); highest among the groups gnomAD compares: Non-Finnish European, 0.00059%; no homozygotes.

Submissions (3):

Institute of Human Genetics, University of Leipzig Medical Center
Classification: Likely pathogenic for Refsum disease, classic. Last evaluated: 2024-09-17. Review status: criteria provided, single submitter. Criteria: ACMG Guidelines, 2015. Collection method: clinical testing. Allele origin: unknown. Inheritance: Autosomal recessive inheritance. Affected: yes.
Comment: Criteria applied: PM2,PM3,PP3,PP4

Blueprint Genetics
Classification: Likely pathogenic for PHYH-related disorders. Last evaluated: 2022-10-12. Review status: criteria provided, single submitter. Criteria: ACMG Guidelines, 2015. Collection method: clinical testing. Allele origin: germline. Affected: yes. Observed: 1 variant allele.

CeGaT Center for Human Genetics Tuebingen
Classification: Pathogenic. Last evaluated: 2017-08-01. Review status: criteria provided, single submitter. Criteria: CeGaT Center For Human Genetics Tuebingen Variant Classification Criteria Version 2. Collection method: clinical testing. Allele origin: germline. Affected: yes. Observed: 1 variant allele.

NM_006214.4(PHYH):c.830C>A (p.Ala277Glu)

Gene: PHYH (phytanoyl-CoA 2-hydroxylase; minus strand). Cytogenetic location: 10p13.
Variant type: single nucleotide variant.
Coding change: c.830C>A on transcript NM_006214.4 (MANE Select); coding-DNA position 830, C replaced by A.
Protein change: p.Ala277Glu; replaces alanine 277 with glutamic acid.
Molecular consequence: missense variant.
Genome position (GRCh38, 1-based): chr10:13,281,109, G>T on the plus strand (C>A on the coding strand, the complement: PHYH is on the minus strand). VCF-style: chr10-13281109-G-T. GRCh37 (hg19) VCF-style: chr10-13323109-G-T.
Other names: c.530C>A, p.Ala177Glu (NM_001037537.2, NM_001323080.2); c.836C>A, p.Ala279Glu (NM_001323082.2); c.566C>A, p.Ala189Glu (NM_001323083.2); c.536C>A, p.Ala179Glu (NM_001323084.2); short protein forms A277E, A189E, A177E, A179E, A279E.
Identifiers: ClinVar variation 872163 (VCV000872163.44), dbSNP rs1211539675, ClinGen allele CA376051681.
Genomic context (GRCh38, chr10:13,281,109, plus strand): 5'-TGACTGGTGCCCTTCACGTCAATGTAGTGGCAATCGGCACTGGCGAAATGGCAGGAAATT[G>T]CCTGTGCAAAGTGAACAAATTGATATTGGAGAAAAACATCCCATGAATACCAGTGACCAA-3'
Protein context (NP_006205.1, residues 267-287): GQNKTQGFRK[Ala277Glu]ISCHFASADC